The following is an entry in ClinVar:

NM_000455.5(STK11):c.1230C>A (p.Ala410=)

Gene: STK11 (serine/threonine kinase 11; plus strand). Cytogenetic location: 19p13.3.
Variant type: single nucleotide variant.
Coding change: c.1230C>A on transcript NM_000455.5 (MANE Select); coding-DNA position 1230, C replaced by A.
Protein change: p.Ala410=; no amino-acid change (alanine 410 retained).
Molecular consequence: synonymous variant.
Genome position (GRCh38, 1-based): chr19:1,226,575, C>A. VCF-style: chr19-1226575-C-A. GRCh37 (hg19) VCF-style: chr19-1226574-C-A.
Identifiers: ClinVar variation 1609619 (VCV001609619.9), dbSNP rs864622171, ClinGen allele CA402953873.

ClinVar aggregate classification (germline): Benign/Likely benign. Review status: criteria provided, multiple submitters, no conflicts (2 of 4 stars). 2 submissions from 2 submitters: Benign (1); Likely benign (1). Last evaluated 2025-03-31.

Conditions:
Peutz-Jeghers syndrome (PJS). Also called: Peutz-Jeghers polyposis; Periorificial lentiginosis syndrome; POLYPOSIS, HAMARTOMATOUS INTESTINAL; POLYPS-AND-SPOTS SYNDROME. Identifiers: Orphanet 2869, MedGen C0031269, MeSH D010580, MONDO:0008280, OMIM 175200.

Submissions (2):

Myriad Genetics, Inc.
Classification: Benign for Peutz-Jeghers syndrome. Last evaluated: 2025-03-31. Review status: criteria provided, single submitter. Criteria: Myriad Autosomal Dominant, Autosomal Recessive and X-Linked Classification Criteria (2023). Collection method: clinical testing. Allele origin: unknown.
Comment: This variant is considered benign. This variant is a silent/synonymous amino acid change and it is not expected to impact splicing.

Labcorp Genetics (formerly Invitae), Labcorp
Classification: Likely benign for Peutz-Jeghers syndrome. Last evaluated: 2021-10-10. Review status: criteria provided, single submitter. Criteria: Invitae Variant Classification Sherloc (09022015). Collection method: clinical testing. Allele origin: germline.